The following is an entry in ClinVar:

NM_004239.4(TRIP11):c.1528-145T>C

Gene: TRIP11 (thyroid hormone receptor interactor 11; minus strand). Cytogenetic location: 14q32.12.
Variant type: single nucleotide variant.
Coding change: c.1528-145T>C on transcript NM_004239.4 (MANE Select); 145 bases into the intron before coding-DNA position 1528, T replaced by C.
Molecular consequence: intron variant.
Genome position (GRCh38, 1-based): chr14:92,006,593, A>G on the plus strand (T>C on the coding strand, the complement: TRIP11 is on the minus strand). VCF-style: chr14-92006593-A-G. GRCh37 (hg19) VCF-style: chr14-92472937-A-G.
Other names: c.1525-145T>C (NM_001321851.1).
Identifiers: ClinVar variation 671246 (VCV000671246.1), dbSNP rs78426486, ClinGen allele CA16497183.

ClinVar aggregate classification (germline): Benign (1 of 4 stars; one submission).

Allele frequency attached by ClinVar (database versions not stated): gnomAD exomes 0.10441; 1000 Genomes Project 0.12979; 1000 Genomes Project 30x 0.13570; gnomAD 0.15832 and 0.16634; TOPMed 0.16484.
gnomAD v4.1: 102,581 of 901,088 alleles (11%); highest among the groups gnomAD compares: African/African-American, 30%; 7,865 homozygotes.

Submission:

GeneDx
Classification: Benign. Last evaluated: 2018-06-17. Review status: criteria provided, single submitter. Criteria: GeneDx Variant Classification (06012015). Collection method: clinical testing. Allele origin: germline. Affected: yes.
Comment: This variant is considered likely benign or benign based on one or more of the following criteria: it is a conservative change, it occurs at a poorly conserved position in the protein, it is predicted to be benign by multiple in silico algorithms, and/or has population frequency not consistent with disease.